The following is an entry in ClinVar:

ClinVar aggregate classification (germline): Uncertain significance (1 of 4 stars; one submission).

Conditions:
Hereditary cancer-predisposing syndrome. Also called: Neoplastic Syndromes, Hereditary; Tumor predisposition; Hereditary Cancer Syndrome; Hereditary neoplastic syndrome. Identifiers: Orphanet 140162, MedGen C0027672, MeSH D009386, MONDO:0015356.

Submission:

Ambry Genetics
Classification: Uncertain significance for Hereditary cancer-predisposing syndrome. Last evaluated: 2026-03-21. Review status: criteria provided, single submitter. Criteria: Ambry Variant Classification Scheme 2023. Collection method: clinical testing. Allele origin: germline.
Comment: The p.A336S variant (also known as c.1006G>T), located in coding exon 9 of the BRCA2 gene, results from a G to T substitution at nucleotide position 1006. The alanine at codon 336 is replaced by serine, an amino acid with similar properties. This amino acid position is conserved. In addition, this alteration is predicted to be tolerated by in silico analysis. Based on the available evidence, the clinical significance of this variant remains unclear.

NM_000059.4(BRCA2):c.1006G>T (p.Ala336Ser)

Gene: BRCA2 (BRCA2 DNA repair associated; plus strand). Cytogenetic location: 13q13.1.
Variant type: single nucleotide variant.
Coding change: c.1006G>T on transcript NM_000059.4 (MANE Select); coding-DNA position 1006, G replaced by T.
Protein change: p.Ala336Ser; replaces alanine 336 with serine.
Molecular consequence: missense variant. On other transcripts: non-coding transcript variant (1), intron variant (1).
Genome position (GRCh38, 1-based): chr13:32,332,484, G>T. VCF-style: chr13-32332484-G-T. GRCh37 (hg19) VCF-style: chr13-32906621-G-T.
Other names: c.1006G>T, p.Ala336Ser (NM_001406719.1, NM_001406720.1, NM_001406721.1 and 1 more transcripts); c.424+1454G>T (NM_001406722.1); short protein forms A336S.
Identifiers: ClinVar variation 4867787 (VCV004867787.1).
Genomic context (GRCh38, chr13:32,332,484, plus strand): 5'-AGAACAAAAAATCTACAAAAAGTAAGAACTAGCAAGACTAGGAAAAAAATTTTCCATGAA[G>T]CAAACGCTGATGAATGTGAAAAATCTAAAAACCAAGTGAAAGAAAAATACTCATTTGTAT-3'
Protein context (NP_000050.3, residues 326-346): SKTRKKIFHE[Ala336Ser]NADECEKSKN